The following is an entry in ClinVar:

NM_001039958.2(MESP2):c.823C>A (p.Pro275Thr)

Gene: MESP2 (mesoderm posterior bHLH transcription factor 2; plus strand). Cytogenetic location: 15q26.1.
Variant type: single nucleotide variant.
Coding change: c.823C>A on transcript NM_001039958.2 (MANE Select); coding-DNA position 823, C replaced by A.
Protein change: p.Pro275Thr; replaces proline 275 with threonine.
Molecular consequence: missense variant.
Genome position (GRCh38, 1-based): chr15:89,777,180, C>A. VCF-style: chr15-89777180-C-A. GRCh37 (hg19) VCF-style: chr15-90320411-C-A.
Other names: short protein forms P275T.
Identifiers: ClinVar variation 2161190 (VCV002161190.3), dbSNP rs778996877, ClinGen allele CA7730516.

ClinVar aggregate classification (germline): Uncertain significance (1 of 4 stars; one submission).

Submission:

Labcorp Genetics (formerly Invitae), Labcorp
Classification: Uncertain significance. Last evaluated: 2024-11-05. Review status: criteria provided, single submitter. Criteria: Invitae Variant Classification Sherloc (09022015). Collection method: clinical testing. Allele origin: germline.
Comment: This sequence change replaces proline, which is neutral and non-polar, with threonine, which is neutral and polar, at codon 275 of the MESP2 protein (p.Pro275Thr). This variant is present in population databases (rs778996877, gnomAD 0.03%). This variant has not been reported in the literature in individuals affected with MESP2-related conditions. ClinVar contains an entry for this variant (Variation ID: 2161190). Invitae Evidence Modeling of protein sequence and biophysical properties (such as structural, functional, and spatial information, amino acid conservation, physicochemical variation, residue mobility, and thermodynamic stability) indicates that this missense variant is not expected to disrupt MESP2 protein function with a negative predictive value of 80%. In summary, the available evidence is currently insufficient to determine the role of this variant in disease. Therefore, it has been classified as a Variant of Uncertain Significance.